The following is an entry in ClinVar:

ClinVar aggregate classification (germline): Uncertain significance (1 of 4 stars; one submission).

Conditions:
Kabuki syndrome. Also called: NIIKAWA-KUROKI SYNDROME; Kabuki make-up syndrome. Identifiers: Orphanet 2322, MedGen C0796004, MONDO:0016512.

Submission:

Labcorp Genetics (formerly Invitae), Labcorp
Classification: Uncertain significance for Kabuki syndrome. Last evaluated: 2025-07-21. Review status: criteria provided, single submitter. Criteria: Invitae Variant Classification Sherloc (09022015). Collection method: clinical testing. Allele origin: germline.
Comment: This variant, c.12692_12697dup, results in the insertion of 2 amino acid(s) of the KMT2D protein (p.Leu4231_Gln4232dup), but otherwise preserves the integrity of the reading frame. This variant is present in population databases (no rsID available, gnomAD 0.01%). This variant has not been reported in the literature in individuals affected with KMT2D-related conditions. In summary, the available evidence is currently insufficient to determine the role of this variant in disease. Therefore, it has been classified as a Variant of Uncertain Significance.

NM_003482.4(KMT2D):c.12692_12697dup (p.Gln4232_Gln4233insLeuGln)

Gene: KMT2D (lysine methyltransferase 2D; minus strand). Cytogenetic location: 12q13.12.
Variant type: Duplication.
Coding change: c.12692_12697dup on transcript NM_003482.4 (MANE Select); coding-DNA positions 12692 to 12697, 6 bases duplicated (TGCAGC; older notation c.12692_12697dupTGCAGC).
Protein change: p.Gln4232_Gln4233insLeuGln.
Molecular consequence: inframe insertion.
Genome position (GRCh38, 1-based): chr12:49,032,008-49,032,013, GCTGCA duplicated on the plus strand (TGCAGC on the coding strand, the reverse complement: KMT2D is on the minus strand); duplicating any 6 consecutive bases within chr12:49,032,008-49,032,018 gives the same sequence; the c. name uses the placement nearest the transcript's 3' end. VCF-style (leftmost placement, unchanged base first): chr12-49032007-T-TGCTGCA. GRCh37 (hg19) VCF-style: chr12-49425790-T-TGCTGCA.
Identifiers: ClinVar variation 4719594 (VCV004719594.1).
Genomic context (GRCh38, chr12:49,032,007, plus strand): 5'-AGGGGAGAGGTCTGGGTCCCAGGCTCCTGGTAGGGTGGGGTCTGGCGTACTGCCTGACTC[T>TGCTGCA]GCTGCAGCTGCCGCTGCATGAGGAGTGCCTGTAGCTGCTGCTGCTGCTGAGGACTTAAGT-3'